The following is an entry in ClinVar:

ClinVar aggregate classification (germline): Uncertain significance (1 of 4 stars; one submission).

Conditions:
DICER1-related tumor predisposition. Also called: DICER1 syndrome; DICER1-related pleuropulmonary blastoma cancer predisposition syndrome. Identifiers: Orphanet 284343, MedGen C3839822, MONDO:0100216.

Submission:

Labcorp Genetics (formerly Invitae), Labcorp
Classification: Uncertain significance for DICER1-related tumor predisposition. Last evaluated: 2019-06-03. Review status: criteria provided, single submitter. Criteria: Invitae Variant Classification Sherloc (09022015). Collection method: clinical testing. Allele origin: germline.
Comment: In summary, the available evidence is currently insufficient to determine the role of this variant in disease. Therefore, it has been classified as a Variant of Uncertain Significance. Algorithms developed to predict the effect of missense changes on protein structure and function (SIFT, PolyPhen-2, Align-GVGD) all suggest that this variant is likely to be tolerated, but these predictions have not been confirmed by published functional studies and their clinical significance is uncertain. This variant has not been reported in the literature in individuals with DICER1-related conditions. This variant is not present in population databases (ExAC no frequency). This sequence change replaces proline with threonine at codon 750 of the DICER1 protein (p.Pro750Thr). The proline residue is highly conserved and there is a small physicochemical difference between proline and threonine.

NM_177438.3(DICER1):c.2248C>A (p.Pro750Thr)

Gene: DICER1 (dicer 1, ribonuclease III; minus strand). Cytogenetic location: 14q32.13.
Variant type: single nucleotide variant.
Coding change: c.2248C>A on transcript NM_177438.3 (MANE Select); coding-DNA position 2248, C replaced by A.
Protein change: p.Pro750Thr; replaces proline 750 with threonine.
Molecular consequence: missense variant.
Genome position (GRCh38, 1-based): chr14:95,111,325, G>T on the plus strand (C>A on the coding strand, the complement: DICER1 is on the minus strand). VCF-style: chr14-95111325-G-T. GRCh37 (hg19) VCF-style: chr14-95577662-G-T.
Other names: c.2248C>A, p.Pro750Thr (NM_001195573.1, NM_001271282.3, NM_001291628.2 and 1 more transcripts); short protein forms P750T.
Identifiers: ClinVar variation 844731 (VCV000844731.11), dbSNP rs1891936587, ClinGen allele CA390882478.